The following is an entry in ClinVar:

NM_201253.3(CRB1):c.1520T>C (p.Val507Ala)

Gene: CRB1 (crumbs cell polarity complex component 1; plus strand). Cytogenetic location: 1q31.3.
Variant type: single nucleotide variant.
Coding change: c.1520T>C on transcript NM_201253.3 (MANE Select); coding-DNA position 1520, T replaced by C.
Protein change: p.Val507Ala; replaces valine 507 with alanine.
Molecular consequence: missense variant. On other transcripts: non-coding transcript variant (2).
Genome position (GRCh38, 1-based): chr1:197,421,348, T>C. VCF-style: chr1-197421348-T-C. GRCh37 (hg19) VCF-style: chr1-197390478-T-C.
Other names: c.1184T>C, p.Val395Ala (NM_001193640.2); c.1313T>C, p.Val438Ala (NM_001257965.2); c.1520T>C, p.Val507Ala (NM_001257966.2); short protein forms V507A, V395A, V438A.
Identifiers: ClinVar variation 1508446 (VCV001508446.6), dbSNP rs917528638, ClinGen allele CA35893567.

ClinVar aggregate classification (germline): Uncertain significance (1 of 4 stars; one submission).

Conditions:
Leber congenital amaurosis 8 (LCA8). Identifiers: Orphanet 65, MedGen C3151202, MONDO:0013453, OMIM 613835.
Retinitis pigmentosa 12 (RP12). Also called: RP WITH OR WITHOUT PRESERVED PARAARTERIOLE RETINAL PIGMENT EPITHELIUM; RETINITIS PIGMENTOSA WITH OR WITHOUT PARAARTERIOLAR PRESERVATION OF RETINAL PIGMENT EPITHELIUM; RP WITH OR WITHOUT PPRPE. Identifiers: Orphanet 791, MedGen C1838647, MONDO:0010818, OMIM 600105.

Allele frequency attached by ClinVar (database versions not stated): TOPMed below 0.00001; gnomAD 0.00001 and 0.00002.
gnomAD v4.1: 2 of 1,614,096 alleles (0.00012%); highest among the groups gnomAD compares: African/African-American, 0.0027%; no homozygotes.

Submission:

Labcorp Genetics (formerly Invitae), Labcorp
Classification: Uncertain significance for Leber congenital amaurosis 8; Retinitis pigmentosa 12. Last evaluated: 2023-12-17. Review status: criteria provided, single submitter. Criteria: Invitae Variant Classification Sherloc (09022015). Collection method: clinical testing. Allele origin: germline.
Comment: This sequence change replaces valine, which is neutral and non-polar, with alanine, which is neutral and non-polar, at codon 507 of the CRB1 protein (p.Val507Ala). This variant is not present in population databases (gnomAD no frequency). This variant has not been reported in the literature in individuals affected with CRB1-related conditions. ClinVar contains an entry for this variant (Variation ID: 1508446). Algorithms developed to predict the effect of missense changes on protein structure and function output the following: SIFT: "Not Available"; PolyPhen-2: "Benign"; Align-GVGD: "Not Available". The alanine amino acid residue is found in multiple mammalian species, which suggests that this missense change does not adversely affect protein function. In summary, the available evidence is currently insufficient to determine the role of this variant in disease. Therefore, it has been classified as a Variant of Uncertain Significance.